The following is an entry in ClinVar:

NM_001370259.2(MEN1):c.646G>A (p.Ala216Thr)

Gene: MEN1 (menin 1; minus strand). Cytogenetic location: 11q13.1.
Variant type: single nucleotide variant.
Coding change: c.646G>A on transcript NM_001370259.2 (MANE Select); coding-DNA position 646, G replaced by A.
Protein change: p.Ala216Thr; replaces alanine 216 with threonine.
Molecular consequence: missense variant. On other transcripts: non-coding transcript variant (4), intron variant (5).
Genome position (GRCh38, 1-based): chr11:64,807,899, C>T on the plus strand (G>A on the coding strand, the complement: MEN1 is on the minus strand). VCF-style: chr11-64807899-C-T. GRCh37 (hg19) VCF-style: chr11-64575371-C-T.
Other names: c.661G>A, p.Ala221Thr (NM_130800.3, NM_130801.3, NM_130802.3 and 5 more transcripts); c.549+97G>A (NM_001407148.1, NM_001407149.1, NM_001407151.1 and 2 more transcripts); c.646G>A, p.Ala216Thr (NM_001370261.2, NM_001407142.1, NM_001407143.1 and 7 more transcripts); short protein forms A216T, A221T.
Identifiers: ClinVar variation 3683925 (VCV003683925.2).
Genomic context (GRCh38, chr11:64,807,899, plus strand): 5'-GCTTGGGCTACTACAGTATGAAGGGGACAAGGCTGGGGGGAGGGAACAATACCCGCTCAG[C>T]CACACCGGCATTGACTGTCTGGCCCCTGCGGTCCTCGTTGCCCTTGCCGTGCCAGGTGAC-3'
Protein context (NP_001357188.2, residues 206-226): RRGQTVNAGV[Ala216Thr]ERSWLYLKGS

ClinVar aggregate classification (germline): Uncertain significance (1 of 4 stars; one submission).

Conditions:
Multiple endocrine neoplasia, type 1 (MEN1). Also called: MEN I; WERMER SYNDROME; Endocrine adenomatosis multiple; MEN 1; MEA I. Identifiers: Orphanet 652, MedGen C0025267, MeSH D018761, MONDO:0007540, OMIM 131100.

Submission:

Labcorp Genetics (formerly Invitae), Labcorp
Classification: Uncertain significance for Multiple endocrine neoplasia, type 1. Last evaluated: 2025-09-28. Review status: criteria provided, single submitter. Criteria: Invitae Variant Classification Sherloc (09022015). Collection method: clinical testing. Allele origin: germline.
Comment: This sequence change replaces alanine, which is neutral and non-polar, with threonine, which is neutral and polar, at codon 216 of the MEN1 protein (p.Ala216Thr). This variant is not present in population databases (gnomAD no frequency). This variant has not been reported in the literature in individuals affected with MEN1-related conditions. ClinVar contains an entry for this variant (Variation ID: 3683925). Invitae Evidence Modeling of protein sequence and biophysical properties (such as structural, functional, and spatial information, amino acid conservation, physicochemical variation, residue mobility, and thermodynamic stability) indicates that this missense variant is not expected to disrupt MEN1 protein function with a negative predictive value of 95%. In summary, the available evidence is currently insufficient to determine the role of this variant in disease. Therefore, it has been classified as a Variant of Uncertain Significance.